The following is an entry in ClinVar:

NM_015378.4(VPS13D):c.11062G>A (p.Ala3688Thr)

Gene: VPS13D (vacuolar protein sorting 13 homolog D; plus strand). Cytogenetic location: 1p36.22.
Variant type: single nucleotide variant.
Coding change: c.11062G>A on transcript NM_015378.4 (MANE Select); coding-DNA position 11062, G replaced by A.
Protein change: p.Ala3688Thr; replaces alanine 3688 with threonine.
Molecular consequence: missense variant.
Genome position (GRCh38, 1-based): chr1:12,378,572, G>A. VCF-style: chr1-12378572-G-A. GRCh37 (hg19) VCF-style: chr1-12438626-G-A.
Other names: c.10987G>A, p.Ala3663Thr (NM_018156.4); c.11062G>A (NM_015378.2, NM_015378.3); short protein forms A3663T, A3688T.
Identifiers: ClinVar variation 1806217 (VCV001806217.8), dbSNP rs1484559967, ClinGen allele CA338499944.

ClinVar aggregate classification (germline): Uncertain significance. Review status: criteria provided, multiple submitters, no conflicts (2 of 4 stars). 4 submissions from 4 submitters: Uncertain significance (4). Last evaluated 2024-07-25.

Conditions:
Autosomal recessive cerebellar ataxia-saccadic intrusion syndrome. Also called: SPINOCEREBELLAR ATAXIA 24; VPS13D Movement Disorder. Identifiers: Orphanet 95434, MedGen C1846492, MONDO:0011811, OMIM 607317.
Inborn genetic diseases. Identifiers: MedGen C0950123, MeSH D030342.

Allele frequency attached by ClinVar (database versions not stated): gnomAD 0.00001; TOPMed 0.00001.
gnomAD v4.1: 12 of 1,585,682 alleles (0.00076%); highest among the groups gnomAD compares: Admixed American, 0.0054%; no homozygotes.

Submissions (4):

GeneDx
Classification: Uncertain significance. Last evaluated: 2024-07-25. Review status: criteria provided, single submitter. Criteria: GeneDx Variant Classification Process June 2021. Collection method: clinical testing. Allele origin: germline. Affected: yes.
Comment: In silico analysis indicates that this missense variant does not alter protein structure/function; Has not been previously published as pathogenic or benign to our knowledge

Labcorp Genetics (formerly Invitae), Labcorp
Classification: Uncertain significance. Last evaluated: 2022-03-12. Review status: criteria provided, single submitter. Criteria: Invitae Variant Classification Sherloc (09022015). Collection method: clinical testing. Allele origin: germline.
Comment: The frequency data for this variant in the population databases is considered unreliable, as metrics indicate poor data quality at this position in the gnomAD database. In summary, the available evidence is currently insufficient to determine the role of this variant in disease. Therefore, it has been classified as a Variant of Uncertain Significance. This variant has not been reported in the literature in individuals affected with VPS13D-related conditions. Algorithms developed to predict the effect of missense changes on protein structure and function are either unavailable or do not agree on the potential impact of this missense change (SIFT: "Not Available"; PolyPhen-2: "Possibly Damaging"; Align-GVGD: "Not Available"). This sequence change replaces alanine, which is neutral and non-polar, with threonine, which is neutral and polar, at codon 3688 of the VPS13D protein (p.Ala3688Thr).

Ambry Genetics
Classification: Uncertain significance for Inborn genetic diseases. Last evaluated: 2021-09-01. Review status: criteria provided, single submitter. Criteria: Ambry Variant Classification Scheme 2023. Collection method: clinical testing. Allele origin: germline.

Victorian Clinical Genetics Services, Murdoch Childrens Research Institute
Classification: Uncertain significance for Autosomal recessive cerebellar ataxia-saccadic intrusion syndrome. Last evaluated: 2021-05-06. Review status: criteria provided, single submitter. Criteria: ACMG Guidelines, 2015. Collection method: clinical testing. Allele origin: germline. Inheritance: Autosomal recessive inheritance. Affected: yes.
Comment: Based on the classification scheme VCGS_Germline_v1.3.4, this variant is classified as VUS-3B. Following criteria are met: 0102 - Loss of function is a known mechanism of disease in this gene and is associated with spinocerebellar ataxia, autosomal recessive 4 (MIM#607317). (I) 0106 - This gene is associated with autosomal recessive disease. (I) 0200 - Variant is predicted to result in a missense amino acid change from alanine to threonine. (I) 0251 - This variant is heterozygous. (I) 0304 - Variant is present in gnomAD <0.01 (v2, v3) for a recessive condition (2 heterozygotes, 0 homozygotes). (SP) 0309 - An alternative amino acid change at the same position has been observed in gnomAD (v2) (1 heterozygote, 0 homozygotes). (I) 0502 - Missense variant with conflicting in silico predictions and uninformative conservation. (I) 0604 - Variant is not located in an established domain, motif, hotspot or informative constraint region. (I) 0705 - No comparable missense variants have previous evidence for pathogenicity. (I) 0807 - This variant has no previous evidence of pathogenicity. (I) 0905 - No published segregation evidence has been identified for this variant. (I) 1007 - No published functional evidence has been identified for this variant. (I) Legend: (SP) - Supporting pathogenic, (I) - Information, (SB) - Supporting benign